The following is an entry in ClinVar:

NM_006269.2(RP1):c.6041G>T (p.Gly2014Val)

Genes: RP1 (RP1 axonemal microtubule associated; plus strand), LOC126860392 (CDK7 strongly-dependent group 2 enhancer GRCh37_chr8:55541319-55542518; plus strand). Cytogenetic location: 8q12.1.
Variant type: single nucleotide variant.
Coding change: c.6041G>T on transcript NM_006269.2 (MANE Select); coding-DNA position 6041, G replaced by T.
Protein change: p.Gly2014Val; replaces glycine 2014 with valine.
Molecular consequence: missense variant. On other transcripts: intron variant (1).
Genome position (GRCh38, 1-based): chr8:54,629,923, G>T. VCF-style: chr8-54629923-G-T. GRCh37 (hg19) VCF-style: chr8-55542483-G-T.
Other names: c.787+7635G>T (NM_001375654.1); short protein forms G2014V.
Identifiers: ClinVar variation 2073822 (VCV002073822.4), dbSNP rs2536592515, ClinGen allele CA370990136.

ClinVar aggregate classification (germline): Uncertain significance (1 of 4 stars; one submission).

Submission:

Labcorp Genetics (formerly Invitae), Labcorp
Classification: Uncertain significance. Last evaluated: 2024-12-02. Review status: criteria provided, single submitter. Criteria: Invitae Variant Classification Sherloc (09022015). Collection method: clinical testing. Allele origin: germline.
Comment: This sequence change replaces glycine, which is neutral and non-polar, with valine, which is neutral and non-polar, at codon 2014 of the RP1 protein (p.Gly2014Val). This variant is not present in population databases (gnomAD no frequency). This variant has not been reported in the literature in individuals affected with RP1-related conditions. ClinVar contains an entry for this variant (Variation ID: 2073822). An algorithm developed to predict the effect of missense changes on protein structure and function (PolyPhen-2) suggests that this variant is likely to be tolerated. In summary, the available evidence is currently insufficient to determine the role of this variant in disease. Therefore, it has been classified as a Variant of Uncertain Significance.